The following is an entry in ClinVar:

NM_017763.6(RNF43):c.806C>T (p.Ala269Val)

Gene: RNF43 (ring finger protein 43; minus strand). Cytogenetic location: 17q22.
Variant type: single nucleotide variant.
Coding change: c.806C>T on transcript NM_017763.6 (MANE Select); coding-DNA position 806, C replaced by T.
Protein change: p.Ala269Val; replaces alanine 269 with valine.
Molecular consequence: missense variant.
Genome position (GRCh38, 1-based): chr17:58,360,826, G>A on the plus strand (C>T on the coding strand, the complement: RNF43 is on the minus strand). VCF-style: chr17-58360826-G-A. GRCh37 (hg19) VCF-style: chr17-56438187-G-A.
Other names: c.806C>T, p.Ala269Val (NM_001305544.3); c.425C>T, p.Ala142Val (NM_001305545.2); short protein forms A269V, A142V.
Identifiers: ClinVar variation 3789916 (VCV003789916.1).

ClinVar aggregate classification (germline): Uncertain significance (1 of 4 stars; one submission).

Submission:

Ambry Genetics
Classification: Uncertain significance. Last evaluated: 2025-01-25. Review status: criteria provided, single submitter. Criteria: Ambry Variant Classification Scheme 2023. Collection method: clinical testing. Allele origin: germline.
Comment: The p.A269V variant (also known as c.806C>T), located in coding exon 6 of the RNF43 gene, results from a C to T substitution at nucleotide position 806. The alanine at codon 269 is replaced by valine, an amino acid with similar properties. This amino acid position is conserved. In addition, this alteration is predicted to be tolerated by in silico analysis. Based on the available evidence, the clinical significance of this variant remains unclear.